The following is an entry in ClinVar:

NM_207361.6(FREM2):c.7365C>T (p.Phe2455=)

Gene: FREM2 (FRAS1 related extracellular matrix 2; plus strand). Cytogenetic location: 13q13.3.
Variant type: single nucleotide variant.
Coding change: c.7365C>T on transcript NM_207361.6 (MANE Select); coding-DNA position 7365, C replaced by T.
Protein change: p.Phe2455=; no amino-acid change (phenylalanine 2455 retained).
Molecular consequence: synonymous variant.
Genome position (GRCh38, 1-based): chr13:38,859,436, C>T. VCF-style: chr13-38859436-C-T. GRCh37 (hg19) VCF-style: chr13-39433573-C-T.
Other names: c.7365C>T (NM_207361.5).
Identifiers: ClinVar variation 2756054 (VCV002756054.3), dbSNP rs777727874, ClinGen allele CA6955838.

ClinVar aggregate classification (germline): Likely benign. Review status: criteria provided, single submitter (1 of 4 stars). 2 submissions from 2 submitters: Likely benign (1). 1 of the submissions does not count toward it. Last evaluated 2023-11-20.

Conditions:
FREM2-related disorder. Also called: FREM2-related condition.

Allele frequency attached by ClinVar (database versions not stated): TOPMed below 0.00001; gnomAD 0.00001; gnomAD exomes 0.00001; ExAC 0.00002.
gnomAD v4.1: 12 of 1,613,980 alleles (0.00074%); highest among the groups gnomAD compares: East Asian, 0.0067%; no homozygotes.

Submissions (2):

Labcorp Genetics (formerly Invitae), Labcorp
Classification: Likely benign. Last evaluated: 2023-11-20. Review status: criteria provided, single submitter. Criteria: Invitae Variant Classification Sherloc (09022015). Collection method: clinical testing. Allele origin: germline.

PreventionGenetics, part of Exact Sciences
Classification: Likely benign for FREM2-related condition. Last evaluated: 2020-11-30. Review status: no assertion criteria provided. Collection method: clinical testing. Allele origin: germline. Not counted in ClinVar's aggregate classification.
Comment: This variant is classified as likely benign based on ACMG/AMP sequence variant interpretation guidelines (Richards et al. 2015 PMID: 25741868, with internal and published modifications).